The following is an entry in ClinVar:

NM_001042545.2(LTBP4):c.4160C>A (p.Pro1387Gln)

Gene: LTBP4 (latent transforming growth factor beta binding protein 4; plus strand). Cytogenetic location: 19q13.2.
Variant type: single nucleotide variant.
Coding change: c.4160C>A on transcript NM_001042545.2 (MANE Select); coding-DNA position 4160, C replaced by A.
Protein change: p.Pro1387Gln; replaces proline 1387 with glutamine.
Molecular consequence: missense variant.
Genome position (GRCh38, 1-based): chr19:40,627,149, C>A. VCF-style: chr19-40627149-C-A. GRCh37 (hg19) VCF-style: chr19-41133054-C-A.
Other names: c.4361C>A, p.Pro1454Gln (NM_001042544.1); c.4250C>A, p.Pro1417Gln (NM_003573.2); short protein forms P1454Q, P1387Q, P1417Q.
Identifiers: ClinVar variation 2059631 (VCV002059631.2), dbSNP rs190277382, ClinGen allele CA9449243.

ClinVar aggregate classification (germline): Uncertain significance (1 of 4 stars; one submission).

Allele frequency attached by ClinVar (database versions not stated): ESP Exome Variant Server 0.00017; 1000 Genomes Project 30x 0.00156; 1000 Genomes Project 0.00160.
gnomAD v4.1: 119 of 1,613,394 alleles (0.0074%); highest among the groups gnomAD compares: African/African-American, 0.14%; no homozygotes.

Submission:

Labcorp Genetics (formerly Invitae), Labcorp
Classification: Uncertain significance. Last evaluated: 2025-11-24. Review status: criteria provided, single submitter. Criteria: Invitae Variant Classification Sherloc (09022015). Collection method: clinical testing. Allele origin: germline.
Comment: This sequence change replaces proline, which is neutral and non-polar, with glutamine, which is neutral and polar, at codon 1417 of the LTBP4 protein (p.Pro1417Gln). This variant is present in population databases (rs190277382, gnomAD 0.1%). This variant has not been reported in the literature in individuals affected with LTBP4-related conditions. ClinVar contains an entry for this variant (Variation ID: 2059631). Experimental studies and prediction algorithms are not available or were not evaluated, and the functional significance of this variant is currently unknown. In summary, the available evidence is currently insufficient to determine the role of this variant in disease. Therefore, it has been classified as a Variant of Uncertain Significance.